The following is an entry in ClinVar:

ClinVar aggregate classification (germline): Pathogenic. Review status: criteria provided, multiple submitters, no conflicts (2 of 4 stars). 3 submissions from 3 submitters: Pathogenic (2). 1 of the submissions does not count toward it. Last evaluated 2023-03-08.

Conditions:
Inborn genetic diseases. Identifiers: MedGen C0950123, MeSH D030342.
Angelman syndrome (AS). Also called: HAPPY PUPPET SYNDROME. Identifiers: Orphanet 72, MedGen C0162635, MONDO:0007113, OMIM 105830. Disease mechanism: loss of function. Inheritance: imprinting disorder, AS is caused by disruption of maternally imprinted UBE3A located within the 15q11.2-q13 Angelman syndrome/Prader-Willi syndrome (AS/PWS) region..
UBE3A-related disorder. Also called: UBE3A-related condition.

Submissions (3):

PreventionGenetics, part of Exact Sciences
Classification: Pathogenic for UBE3A-related condition. Last evaluated: 2023-03-08. Review status: criteria provided, single submitter. Criteria: ACMG Guidelines, 2015. Collection method: clinical testing. Allele origin: germline.
Comment: The UBE3A c.1811_1812delGT variant is predicted to result in a frameshift and premature protein termination (p.Cys604Tyrfs*23). This variant has been reported as pathogenic in individuals with neurological and epilepsy phenotypes. In at least one study, the variant was reported to occur de novo (Table S3, Helbig et al. 2016. PubMed ID: 26795593; Ganapathy et al. 2019. PubMed ID: 31069529). Frameshift variants upstream and downstream of this position have also been reported as pathogenic in individuals with Angelman syndrome phenotypes (HGMD, Human Gene Mutation Database). To our knowledge, this variant has not been reported in the literature or in a large population database, indicating this variant is rare. Taken together, this variant is interpreted as pathogenic.

Ambry Genetics
Classification: Pathogenic for Inborn genetic diseases. Last evaluated: 2014-09-08. Review status: criteria provided, single submitter. Criteria: Ambry exome assertion method (8-5-2015). Collection method: clinical testing. Allele origin: germline. Affected: yes. Observed: 1 variant allele.

Clinical Molecular Genetics Laboratory, Johns Hopkins All Children's Hospital
Classification: Pathogenic for Angelman syndrome. Last evaluated: 2008-05-16. Review status: no assertion criteria provided. Collection method: clinical testing. Allele origin: germline. Affected: yes. Observed: 4 variant alleles. Clinical features observed: Developmental delay, Seizures, Dysmorphic features. Not counted in ClinVar's aggregate classification.

NM_130839.5(UBE3A):c.1871_1872del (p.Cys624fs)

Genes: SNHG14 (small nucleolar RNA host gene 14; plus strand), UBE3A (ubiquitin protein ligase E3A; minus strand). Cytogenetic location: 15q11.2.
Variant type: Deletion.
Coding change: c.1871_1872del on transcript NM_130839.5 (MANE Select); coding-DNA positions 1871 to 1872, 2 bases deleted (GT; older notation c.1871_1872delGT).
Protein change: p.Cys624fs; shifts the reading frame from cysteine 624.
Molecular consequence: frameshift variant. On other transcripts: non-coding transcript variant (1).
Genome position (GRCh38, 1-based): chr15:25,356,778-25,356,779, AC deleted on the plus strand (GT on the coding strand, the reverse complement: UBE3A is on the minus strand); deleting any 2 consecutive bases within chr15:25,356,778-25,356,780 gives the same sequence; the c. name uses the placement nearest the transcript's 3' end. VCF-style (leftmost placement, unchanged base first): chr15-25356777-TAC-T. GRCh37 (hg19) VCF-style: chr15-25601924-TAC-T.
Other names: c.1880_1881del, p.Cys627fs (NM_000462.5); c.1871_1872del, p.Cys624fs (NM_001354505.1, NM_001354538.2, NM_001354545.2); c.1811_1812del, p.Cys604fs (NM_001354506.2, NM_001354507.2, NM_001354508.2 and 17 more transcripts); c.1694_1695del, p.Cys565fs (NM_001354546.2); c.620_621del, p.Cys207fs (NM_001354550.2); c.560_561del, p.Cys187fs (NM_001354551.2); short protein forms C187fs, C207fs, C565fs, C604fs, C624fs, C627fs.
Identifiers: ClinVar variation 218320 (VCV000218320.5), dbSNP rs864309508, ClinGen allele CA339621.